The following is an entry in ClinVar:

ClinVar aggregate classification (germline): Uncertain significance (1 of 4 stars; one submission).

Conditions:
Immunodeficiency 104. Also called: Severe Combined Immune Deficiency, Autosomal Recessive, TCell -Negative, B Cell-Positive, NK Cell-Positive, IL7R-Related; Severe combined immunodeficiency, autosomal recessive, T cell-negative, B cell-positive, NK cell-positive; SCID, AUTOSOMAL RECESSIVE, T CELL-NEGATIVE, B CELL-POSITIVE, NK CELL-POSITIVE; IMMUNODEFICIENCY 104, SEVERE COMBINED. Identifiers: MedGen C5676890, MONDO:0012163, OMIM 608971.

gnomAD v4.1: 1 of 1,613,154 alleles (0.000062%); no homozygotes.

Submission:

Labcorp Genetics (formerly Invitae), Labcorp
Classification: Uncertain significance for Immunodeficiency 104. Last evaluated: 2024-10-23. Review status: criteria provided, single submitter. Criteria: Invitae Variant Classification Sherloc (09022015). Collection method: clinical testing. Allele origin: germline.
Comment: This sequence change replaces proline, which is neutral and non-polar, with threonine, which is neutral and polar, at codon 416 of the IL7R protein (p.Pro416Thr). This variant is not present in population databases (gnomAD no frequency). This variant has not been reported in the literature in individuals affected with IL7R-related conditions. ClinVar contains an entry for this variant (Variation ID: 1365241). Invitae Evidence Modeling of protein sequence and biophysical properties (such as structural, functional, and spatial information, amino acid conservation, physicochemical variation, residue mobility, and thermodynamic stability) indicates that this missense variant is not expected to disrupt IL7R protein function with a negative predictive value of 95%. In summary, the available evidence is currently insufficient to determine the role of this variant in disease. Therefore, it has been classified as a Variant of Uncertain Significance.

NM_002185.5(IL7R):c.1246C>A (p.Pro416Thr)

Gene: IL7R (interleukin 7 receptor; plus strand). Cytogenetic location: 5p13.2.
Variant type: single nucleotide variant.
Coding change: c.1246C>A on transcript NM_002185.5 (MANE Select); coding-DNA position 1246, C replaced by A.
Protein change: p.Pro416Thr; replaces proline 416 with threonine.
Molecular consequence: missense variant. On other transcripts: non-coding transcript variant (1).
Genome position (GRCh38, 1-based): chr5:35,876,352, C>A. VCF-style: chr5-35876352-C-A. GRCh37 (hg19) VCF-style: chr5-35876454-C-A.
Other names: short protein forms P416T.
Identifiers: ClinVar variation 1365241 (VCV001365241.6), dbSNP rs2149906130, ClinGen allele CA359433794.